The following is an entry in ClinVar:

ClinVar aggregate classification (germline): Pathogenic (1 of 4 stars; one submission).

Conditions:
Aniridia 1 (AN1). Identifiers: Orphanet 250923, MedGen C0344542, MONDO:0024507, OMIM 106210.
Irido-corneo-trabecular dysgenesis (ASGD5). Also called: ANTERIOR SEGMENT DYSGENESIS 5. Identifiers: Orphanet 708, MedGen C0344559, MONDO:0011414, OMIM 604229, HP:0000659.

Submission:

Labcorp Genetics (formerly Invitae), Labcorp
Classification: Pathogenic for Aniridia 1; Irido-corneo-trabecular dysgenesis. Last evaluated: 2023-07-14. Review status: criteria provided, single submitter. Criteria: Invitae Variant Classification Sherloc (09022015). Collection method: clinical testing. Allele origin: germline.
Comment: For these reasons, this variant has been classified as Pathogenic. This variant disrupts a region of the PAX6 protein in which other variant(s) (p.Gly18Arg) have been determined to be pathogenic (PMID: 16712695; Invitae). This suggests that this is a clinically significant region of the protein, and that variants that disrupt it are likely to be disease-causing. This variant, c.49_54del, results in the deletion of 2 amino acid(s) of the PAX6 protein (p.Asn17_Gly18del), but otherwise preserves the integrity of the reading frame. This variant is not present in population databases (gnomAD no frequency). This variant has not been reported in the literature in individuals affected with PAX6-related conditions. ClinVar contains an entry for this variant (Variation ID: 659801).

Literature cited by the submitters: PubMed 16712695.

NM_001368894.2(PAX6):c.49_54del (p.Asn17_Gly18del)

Gene: PAX6 (paired box 6; minus strand). Cytogenetic location: 11p13.
Variant type: Deletion.
Coding change: c.49_54del on transcript NM_001368894.2 (MANE Select); coding-DNA positions 49 to 54, 6 bases deleted (AACGGG; older notation c.49_54delAACGGG).
Protein change: p.Asn17_Gly18del.
Molecular consequence: inframe deletion. On other transcripts: 5 prime UTR variant (12), non-coding transcript variant (2), intron variant (2).
Genome position (GRCh38, 1-based): chr11:31,802,791-31,802,796, CCCGTT deleted on the plus strand (AACGGG on the coding strand, the reverse complement: PAX6 is on the minus strand). VCF-style (leftmost placement, unchanged base first): chr11-31802790-GCCCGTT-G. GRCh37 (hg19) VCF-style: chr11-31824338-GCCCGTT-G.
Other names: c.49_54delAACGGG (NM_000280.4); c.49_54del, p.Asn17_Gly18del (NM_000280.6, NM_001127612.3, NM_001258462.3 and 30 more transcripts); c.-733_-728del (NM_001310160.2, NM_001368905.2); c.-402_-397del (NM_001310161.3, NM_001368900.2, NM_001368903.2 and 2 more transcripts); c.-360_-355del (NM_001368899.2, NM_001368901.2, NM_001368906.2 and 1 more transcripts); c.-691_-686del (NM_001368902.2); c.292_297del, p.Asn98_Gly99del (NM_001368910.2); c.52_57del, p.Asn18_Gly19del (NM_001368911.2); and 1 more.
Identifiers: ClinVar variation 659801 (VCV000659801.8), dbSNP rs1592564313, ClinGen allele CA915948086.